The following is an entry in ClinVar:

ClinVar aggregate classification (germline): Uncertain significance. Review status: criteria provided, multiple submitters, no conflicts (2 of 4 stars). 2 submissions from 2 submitters: Uncertain significance (2). Last evaluated 2020-12-25.

Conditions:
FLNA-related disorder.
Heterotopia, periventricular, X-linked dominant (PVNH1). Also called: PERIVENTRICULAR NODULAR HETEROTOPIA 4; HETEROTOPIA, PERIVENTRICULAR, 1; PERIVENTRICULAR NODULAR HETEROTOPIA 1; X-linked periventricular heterotopia. Identifiers: Orphanet 2149, Orphanet 82004, MedGen C1848213, MONDO:0010233, OMIM 300049.
Oto-palato-digital syndrome, type II (OPD2). Also called: Otopalatodigital Syndrome, Type II; FACIOPALATOOSSEOUS SYNDROME; OPD II SYNDROME; Otopalatodigital Syndrome Type 2 (FLNA-OPD2). Identifiers: Orphanet 669, Orphanet 90652, MedGen C1844696, MONDO:0010571, OMIM 304120.
Melnick-Needles syndrome (MNS). Also called: MELNICK-NEEDLES OSTEODYSPLASTY; OSTEODYSPLASTY OF MELNICK AND NEEDLES; Melnick-Needles Syndrome (FLNA-MNS). Identifiers: Orphanet 2484, MedGen C0025237, MONDO:0010650, OMIM 309350.
Frontometaphyseal dysplasia (FMD1). Identifiers: Orphanet 1826, MedGen C0265293, MONDO:0015942.

Submissions (2):

Labcorp Genetics (formerly Invitae), Labcorp
Classification: Uncertain significance for Oto-palato-digital syndrome, type II; Heterotopia, periventricular, X-linked dominant; Frontometaphyseal dysplasia; Melnick-Needles syndrome. Last evaluated: 2020-12-25. Review status: criteria provided, single submitter. Criteria: Invitae Variant Classification Sherloc (09022015). Collection method: clinical testing. Allele origin: germline.
Comment: This variant is not present in population databases (ExAC no frequency). This sequence change replaces arginine with glycine at codon 24 of the FLNA protein (p.Arg24Gly). The arginine residue is moderately conserved and there is a moderate physicochemical difference between arginine and glycine. This variant has not been reported in the literature in individuals with FLNA-related conditions. ClinVar contains an entry for this variant (Variation ID: 638442). In summary, the available evidence is currently insufficient to determine the role of this variant in disease. Therefore, it has been classified as a Variant of Uncertain Significance. Advanced modeling of protein sequence and biophysical properties (such as structural, functional, and spatial information, amino acid conservation, physicochemical variation, residue mobility, and thermodynamic stability) performed at Invitae indicates that this missense variant is not expected to disrupt FLNA protein function.

Genomic Research Center, Shahid Beheshti University of Medical Sciences
Classification: Uncertain significance for FLNA related disorders. Last evaluated: 2019-04-27. Review status: criteria provided, single submitter. Criteria: ACMG Guidelines, 2015. Collection method: clinical testing. Allele origin: unknown. Affected: yes.

NM_001110556.2(FLNA):c.70C>G (p.Arg24Gly)

Gene: FLNA (filamin A; minus strand). Cytogenetic location: Xq28.
Variant type: single nucleotide variant.
Coding change: c.70C>G on transcript NM_001110556.2 (MANE Select); coding-DNA position 70, C replaced by G.
Protein change: p.Arg24Gly; replaces arginine 24 with glycine.
Molecular consequence: missense variant.
Genome position (GRCh38, 1-based): chrX:154,371,176, G>C on the plus strand (C>G on the coding strand, the complement: FLNA is on the minus strand). VCF-style: chrX-154371176-G-C. GRCh37 (hg19) VCF-style: chrX-153599544-G-C.
Other names: c.70C>G, p.Arg24Gly (NM_001456.4); short protein forms R24G.
Identifiers: ClinVar variation 638442 (VCV000638442.12), dbSNP rs1164930154, ClinGen allele CA415255706.